The following is an entry in ClinVar:

ClinVar aggregate classification (germline): Benign (1 of 4 stars; one submission).

Conditions:
ASIC5-related disorder. Also called: ASIC5-related condition.

gnomAD v4.1: 1,487,269 of 1,601,580 alleles (93%); highest among the groups gnomAD compares: East Asian, 95%; 694,886 homozygotes.

Submission:

PreventionGenetics, part of Exact Sciences
Classification: Benign for ASIC5-related condition. Last evaluated: 2025-04-28. Review status: criteria provided, single submitter. Criteria: ACMG Guidelines, 2015. Collection method: clinical testing. Allele origin: germline.
Comment: This variant is classified as benign based on ACMG/AMP sequence variant interpretation guidelines (Richards et al. 2015 PMID: 25741868, with internal and published modifications).

NM_017419.3(ASIC5):c.39C>T (p.Asn13=)

Gene: ASIC5 (acid sensing ion channel subunit family member 5; minus strand). Cytogenetic location: 4q32.1.
Variant type: single nucleotide variant.
Coding change: c.39C>T on transcript NM_017419.3 (MANE Select); coding-DNA position 39, C replaced by T.
Protein change: p.Asn13=; no amino-acid change (asparagine 13 retained).
Molecular consequence: synonymous variant.
Genome position (GRCh38, 1-based): chr4:155,866,188, G>A on the plus strand (C>T on the coding strand, the complement: ASIC5 is on the minus strand). VCF-style: chr4-155866188-G-A. GRCh37 (hg19) VCF-style: chr4-156787340-G-A.
Identifiers: ClinVar variation 4978670 (VCV004978670.1).
Genomic context (GRCh38, chr4:155,866,188, plus strand): 5'-ACTTCTGGCCTCTAGAAATGAAAAATATTACTGCTCTGAGGAGTTCACTCTTTACTCACC[G>A]TTCTCAGCATATACTTTTGATTTTTCTGTCTGCTCCATTTGTGATTTCAGTTAAGCAAGA-3'
Protein context (NP_059115.1, residues 3-23): QTEKSKVYAE[Asn13=]GLLEKIKLCL